The following is an entry in ClinVar:

NM_000533.5(PLP1):c.607G>A (p.Asp203Asn)

Genes: PLP1 (proteolipid protein 1; plus strand), RAB9B (RAB9B, member RAS oncogene family; minus strand). Cytogenetic location: Xq22.2.
Variant type: single nucleotide variant.
Coding change: c.607G>A on transcript NM_000533.5 (MANE Select); coding-DNA position 607, G replaced by A.
Protein change: p.Asp203Asn; replaces aspartic acid 203 with asparagine.
Molecular consequence: missense variant.
Genome position (GRCh38, 1-based): chrX:103,787,951, G>A. VCF-style: chrX-103787951-G-A. GRCh37 (hg19) VCF-style: chrX-103042880-G-A.
Other names: c.607G>A, p.Asp203Asn (NM_001128834.3); c.442G>A, p.Asp148Asn (NM_001305004.1); c.502G>A, p.Asp168Asn (NM_199478.3); short protein forms D203N, D148N, D168N.
Identifiers: ClinVar variation 265417 (VCV000265417.3), dbSNP rs132630284, ClinGen allele CA10588735.

ClinVar aggregate classification (germline): Pathogenic. Review status: criteria provided, multiple submitters, no conflicts (2 of 4 stars). 2 submissions from 2 submitters: Pathogenic (2). Last evaluated 2018-04-04.

Conditions:
Pelizaeus-Merzbacher disease. Also called: LEUKODYSTROPHY, HYPOMYELINATING, 1; Sudanophilic leukodystrophy; Pelizeaus-Merzbacher spectrum disorder; Pelizaeus-Merzbacher spectrum disorder; Pelizaeus-Merzbacher Disease (PMD). Identifiers: Orphanet 702, MedGen C0205711, MONDO:0010714, OMIM 312080, HP:0003269.

Submissions (2):

GeneDx
Classification: Pathogenic. Last evaluated: 2018-04-04. Review status: criteria provided, single submitter. Criteria: GeneDx Variant Classification (06012015). Collection method: clinical testing. Allele origin: germline. Affected: yes.
Comment: Functional studies show D203N is retained in the endoplasmic reticulum and forms fewer crosslinks between PLP and DM20, with the authors concluding that D203N disrupts the formation of a disulfide bridge in PLP/DM20 that is required for normal protein folding and trafficking (Dhaunchak and Nave, 2007; Dhaunchak et al., 2011). The D203N variant was not observed in approximately 6,500 individuals of European and African American ancestry in the NHLBI Exome Sequencing Project, indicating it is not a common benign variant in these populations. The D203N variant is a semi-conservative amino acid substitution, which may impact secondary protein structure as these residues differ in some properties. This substitution occurs at a position that is conserved across species. We interpret D203N as a pathogenic variant.

Illumina Laboratory Services, Illumina
Classification: Pathogenic for Pelizaeus-Merzbacher disease. Last evaluated: 2018-03-07. Review status: criteria provided, single submitter. Criteria: ICSLVariantClassificationCriteria RUGD 01 April 2020. Collection method: clinical testing. Allele origin: unknown.
Comment: Additionally, at least four other missense variants resulting in alternate amino acid changes at the 203 residue have been identified in individuals with PMD in the literature (Doll et al. 1992, Nagao et al. 1998, Mimault et al. 1999, Cailloux et al. 2000). This variant is not observed in version 2.1.1 of the Genome Aggregation Database. Expression of the p.(Asp203Asn) variant in various cell lines, including oli-neu, an oligodendrocyte cell line, revealed retention of the PLP1 protein in the endoplasmic reticulum (ER), which were rescued by cysteine to serine substitutions in the neighboring residues. It is postulated that p.(Asp203Asn) variant in the large extracellular loop 2 of the protein, induces minor structural changes that prevent efficient formation of normal disulfide bridges, which exposes unpaired cysteines in the oxidative environment of the ER and competing oxidations generate aberrant PLP dimers that fail to mature into oligomeric forms and are retained in the ER (Dhaunchak and Nave 2007, Dhaunchak et al. 2011). Based on the collective evidence, the c.607G>A p.(Asp203Asn) variant is classified as pathogenic for Pelizaeus-Merzbacher disease.